The following is an entry in ClinVar:

ClinVar aggregate classification (germline): Pathogenic (1 of 4 stars; one submission).

Conditions:
Pheochromocytoma/paraganglioma syndrome 5. Also called: Paragangliomas 5; SDHA-Related Hereditary Paraganglioma-Pheochromocytoma Syndrome. Identifiers: Orphanet 29072, MedGen C3279992, MONDO:0013602, OMIM 614165.

Submission:

Myriad Genetics, Inc.
Classification: Pathogenic for Pheochromocytoma/paraganglioma syndrome 5. Last evaluated: 2024-08-27. Review status: criteria provided, single submitter. Criteria: Myriad Autosomal Dominant, Autosomal Recessive and X-Linked Classification Criteria (2023). Collection method: clinical testing. Allele origin: unknown.
Comment: This variant is considered pathogenic. This variant creates a frameshift predicted to result in premature protein truncation.

NM_004168.4(SDHA):c.649dup (p.Val217fs)

Gene: SDHA (succinate dehydrogenase complex flavoprotein subunit A; plus strand). Cytogenetic location: 5p15.33.
Variant type: Duplication.
Coding change: c.649dup on transcript NM_004168.4 (MANE Select); coding-DNA position 649, one base duplicated (G; older notation c.649dupG).
Protein change: p.Val217fs; shifts the reading frame from valine 217.
Molecular consequence: frameshift variant.
Genome position (GRCh38, 1-based): chr5:228,212, G duplicated. VCF-style (leftmost placement, unchanged base first): chr5-228211-T-TG. GRCh37 (hg19) VCF-style: chr5-228326-T-TG.
Other names: c.505dup, p.Val169fs (NM_001294332.2); c.649dup, p.Val217fs (NM_001330758.2); short protein forms V169fs, V217fs.
Identifiers: ClinVar variation 3379269 (VCV003379269.1).